The following is an entry in ClinVar:

ClinVar aggregate classification (germline): Benign. Review status: criteria provided, multiple submitters, no conflicts (2 of 4 stars). 7 submissions from 4 submitters: Benign (7). Last evaluated 2021-07-22.

Conditions:
Hearing loss, autosomal dominant 37. Also called: DEAFNESS, AUTOSOMAL DOMINANT 37. Identifiers: MedGen C4760307, MONDO:0032802, OMIM 618533.
Fibrochondrogenesis 1 (FBCG1). Identifiers: Orphanet 2021, MedGen C3278138, MONDO:0009226, OMIM 228520.
Stickler syndrome type 2 (STL2). Also called: COL11A1-Related Stickler Syndrome; STICKLER SYNDROME, BEADED VITREOUS TYPE; STICKLER SYNDROME, VITREOUS TYPE 2; STICKLER SYNDROME, TYPE II. Identifiers: Orphanet 828, Orphanet 90654, MedGen C1858084, MONDO:0011493, OMIM 604841.
Marshall syndrome (MRSHS). Identifiers: Orphanet 560, MedGen C0265235, MONDO:0007949, OMIM 154780.

Allele frequency attached by ClinVar (database versions not stated): ESP Exome Variant Server 0.45625; gnomAD 0.48053 and 0.49565; TOPMed 0.49607; 1000 Genomes Project 30x 0.57105; 1000 Genomes Project 0.57628; ExAC 0.59180.
gnomAD v4.1: 870,114 of 1,522,820 alleles (57%); highest among the groups gnomAD compares: East Asian, 92%; 256,878 homozygotes.

Submissions (7):

Genome-Nilou Lab
Classification: Benign for Hearing loss, autosomal dominant 37. Last evaluated: 2021-07-22. Review status: criteria provided, single submitter. Criteria: ACMG Guidelines, 2015. Collection method: clinical testing. Allele origin: germline. Affected: no.

Genome-Nilou Lab
Classification: Benign for Fibrochondrogenesis 1. Last evaluated: 2021-07-22. Review status: criteria provided, single submitter. Criteria: ACMG Guidelines, 2015. Collection method: clinical testing. Allele origin: germline. Affected: no.

Genome-Nilou Lab
Classification: Benign for Marshall syndrome. Last evaluated: 2021-07-22. Review status: criteria provided, single submitter. Criteria: ACMG Guidelines, 2015. Collection method: clinical testing. Allele origin: germline. Affected: no.

Genome-Nilou Lab
Classification: Benign for Stickler syndrome type 2. Last evaluated: 2021-07-22. Review status: criteria provided, single submitter. Criteria: ACMG Guidelines, 2015. Collection method: clinical testing. Allele origin: germline. Affected: no.

GeneDx
Classification: Benign. Last evaluated: 2018-06-14. Review status: criteria provided, single submitter. Criteria: GeneDx Variant Classification (06012015). Collection method: clinical testing. Allele origin: germline. Affected: yes.
Comment: This variant is considered likely benign or benign based on one or more of the following criteria: it is a conservative change, it occurs at a poorly conserved position in the protein, it is predicted to be benign by multiple in silico algorithms, and/or has population frequency not consistent with disease.

Breakthrough Genomics
Classification: Benign. Review status: criteria provided, single submitter. Criteria: ACMG Guidelines, 2015. Collection method: not provided. Allele origin: germline. Inheritance: Autosomal recessive inheritance. Affected: yes.

PreventionGenetics, part of Exact Sciences
Classification: Benign. Review status: criteria provided, single submitter. Criteria: ACMG Guidelines, 2015. Collection method: clinical testing. Allele origin: germline.

NM_001854.4(COL11A1):c.274+42G>C

Gene: COL11A1 (collagen type XI alpha 1 chain; minus strand). Cytogenetic location: 1p21.1.
Variant type: single nucleotide variant.
Coding change: c.274+42G>C on transcript NM_001854.4 (MANE Select); 42 bases into the intron after coding-DNA position 274, G replaced by C.
Molecular consequence: intron variant.
Genome position (GRCh38, 1-based): chr1:103,082,763, C>G on the plus strand (G>C on the coding strand, the complement: COL11A1 is on the minus strand). VCF-style: chr1-103082763-C-G. GRCh37 (hg19) VCF-style: chr1-103548319-C-G.
Other names: c.274+42G>C (NM_001190709.2, NM_080629.3, NM_080630.4).
Identifiers: ClinVar variation 258450 (VCV000258450.6), dbSNP rs11164662, ClinGen allele CA975503.